The following is an entry in ClinVar:

ClinVar aggregate classification (germline): Uncertain significance (1 of 4 stars; one submission).

Conditions:
Hereditary cancer-predisposing syndrome. Also called: Neoplastic Syndromes, Hereditary; Tumor predisposition; Hereditary Cancer Syndrome; Hereditary neoplastic syndrome. Identifiers: Orphanet 140162, MedGen C0027672, MeSH D009386, MONDO:0015356.

Submission:

Ambry Genetics
Classification: Uncertain significance for Hereditary cancer-predisposing syndrome. Last evaluated: 2025-12-28. Review status: criteria provided, single submitter. Criteria: Ambry Variant Classification Scheme 2023. Collection method: clinical testing. Allele origin: germline.
Comment: The p.C794G variant (also known as c.2380T>G), located in coding exon 14 of the ALK gene, results from a T to G substitution at nucleotide position 2380. The cysteine at codon 794 is replaced by glycine, an amino acid with highly dissimilar properties. This amino acid position is conserved. In addition, the in silico prediction for this alteration is inconclusive. Based on the available evidence, the clinical significance of this variant remains unclear.

NM_004304.5(ALK):c.2380T>G (p.Cys794Gly)

Gene: ALK (ALK receptor tyrosine kinase; minus strand). Cytogenetic location: 2p23.2.
Variant type: single nucleotide variant.
Coding change: c.2380T>G on transcript NM_004304.5 (MANE Select); coding-DNA position 2380, T replaced by G.
Protein change: p.Cys794Gly; replaces cysteine 794 with glycine.
Molecular consequence: missense variant.
Genome position (GRCh38, 1-based): chr2:29,233,672, A>C on the plus strand (T>G on the coding strand, the complement: ALK is on the minus strand). VCF-style: chr2-29233672-A-C. GRCh37 (hg19) VCF-style: chr2-29456538-A-C.
Other names: short protein forms C794G.
Identifiers: ClinVar variation 4843252 (VCV004843252.1).